The following is an entry in ClinVar:

NM_003200.5(TCF3):c.848T>G (p.Val283Gly)

Gene: TCF3 (transcription factor 3; minus strand). Cytogenetic location: 19p13.3.
Variant type: single nucleotide variant.
Coding change: c.848T>G on transcript NM_003200.5 (MANE Select); coding-DNA position 848, T replaced by G.
Protein change: p.Val283Gly; replaces valine 283 with glycine.
Molecular consequence: missense variant.
Genome position (GRCh38, 1-based): chr19:1,621,945, A>C on the plus strand (T>G on the coding strand, the complement: TCF3 is on the minus strand). VCF-style: chr19-1621945-A-C. GRCh37 (hg19) VCF-style: chr19-1621944-A-C.
Other names: c.848T>G, p.Val283Gly (NM_001136139.4, NM_001351778.2, NM_001351779.2); short protein forms V283G.
Identifiers: ClinVar variation 2012694 (VCV002012694.4), dbSNP rs2513649032, ClinGen allele CA403055186.
Genomic context (GRCh38, chr19:1,621,945, plus strand): 5'-CCGCCGTACGTGGCTCCGGGGGCTGAGGAGAAGGAGGATGCAGATGGGAGCCCACCGTTC[A>C]CCTCTGCTCCATGCAGCTGGTAGCCCTGGGGGGTCAGGCAGGAGGAGGGTGGGTTAGATG-3'
Protein context (NP_003191.1, residues 273-293): RMGYQLHGAE[Val283Gly]NGGLPSASSF

ClinVar aggregate classification (germline): Uncertain significance (1 of 4 stars; one submission).

Submission:

Labcorp Genetics (formerly Invitae), Labcorp
Classification: Uncertain significance. Last evaluated: 2022-07-01. Review status: criteria provided, single submitter. Criteria: Invitae Variant Classification Sherloc (09022015). Collection method: clinical testing. Allele origin: germline.
Comment: This sequence change replaces valine, which is neutral and non-polar, with glycine, which is neutral and non-polar, at codon 283 of the TCF3 protein (p.Val283Gly). This variant is not present in population databases (gnomAD no frequency). This variant has not been reported in the literature in individuals affected with TCF3-related conditions. In summary, the available evidence is currently insufficient to determine the role of this variant in disease. Therefore, it has been classified as a Variant of Uncertain Significance. Algorithms developed to predict the effect of missense changes on protein structure and function output the following: SIFT: "Not Available"; PolyPhen-2: "Benign"; Align-GVGD: "Not Available". The glycine amino acid residue is found in multiple mammalian species, which suggests that this missense change does not adversely affect protein function.